The following is an entry in ClinVar:

NM_031407.7(HUWE1):c.4430G>A (p.Arg1477His)

Gene: HUWE1 (HECT, UBA and WWE domain containing E3 ubiquitin protein ligase 1; minus strand). Cytogenetic location: Xp11.22.
Variant type: single nucleotide variant.
Coding change: c.4430G>A on transcript NM_031407.7 (MANE Select); coding-DNA position 4430, G replaced by A.
Protein change: p.Arg1477His; replaces arginine 1477 with histidine.
Molecular consequence: missense variant.
Genome position (GRCh38, 1-based): chrX:53,589,578, C>T on the plus strand (G>A on the coding strand, the complement: HUWE1 is on the minus strand). VCF-style: chrX-53589578-C-T. GRCh37 (hg19) VCF-style: chrX-53616538-C-T.
Other names: short protein forms R1477H.
Identifiers: ClinVar variation 3371881 (VCV003371881.1).

ClinVar aggregate classification (germline): Uncertain significance (1 of 4 stars; one submission).

gnomAD v4.1: 12 of 1,209,274 alleles (0.00099%); highest among the groups gnomAD compares: Middle Eastern, 0.023%; no homozygotes.

Submission:

GeneDx
Classification: Uncertain significance. Last evaluated: 2024-04-04. Review status: criteria provided, single submitter. Criteria: GeneDx Variant Classification Process June 2021. Collection method: clinical testing. Allele origin: germline. Affected: yes.
Comment: In silico analysis supports that this missense variant has a deleterious effect on protein structure/function; Has not been previously published as pathogenic or benign to our knowledge